The following is an entry in ClinVar:

NM_024580.6(EFL1):c.3156A>T (p.Leu1052=)

Gene: EFL1 (elongation factor like GTPase 1; minus strand). Cytogenetic location: 15q25.2.
Variant type: single nucleotide variant.
Coding change: c.3156A>T on transcript NM_024580.6 (MANE Select); coding-DNA position 3156, A replaced by T.
Protein change: p.Leu1052=; no amino-acid change (leucine 1052 retained).
Molecular consequence: synonymous variant. On other transcripts: non-coding transcript variant (1).
Genome position (GRCh38, 1-based): chr15:82,138,676, T>A on the plus strand (A>T on the coding strand, the complement: EFL1 is on the minus strand). VCF-style: chr15-82138676-T-A. GRCh37 (hg19) VCF-style: chr15-82431017-T-A.
Other names: c.3003A>T, p.Leu1001= (NM_001040610.3); c.2367A>T, p.Leu789= (NM_001322844.2); c.3156A>T, p.Leu1052= (NM_001322845.2).
Identifiers: ClinVar variation 4980459 (VCV004980459.1).
Genomic context (GRCh38, chr15:82,138,676, plus strand): 5'-ATAGATGAGAAGGAAGGAATGAATGGGAACTTGGATTTTTACCTCCCAATGGCTGAATAC[T>A]AGTTGTGGGCTGGCCAGGCCACTTGTCCTCTTCCTGATTTCATCAGCAAAACCAAAGCTT-3'
Protein context (NP_078856.4, residues 1042-1062): KRTSGLASPQ[Leu1052=]VFSHWEIIPS

ClinVar aggregate classification (germline): Likely benign (1 of 4 stars; one submission).

Conditions:
EFL1-related disorder. Also called: EFL1-related condition.

Submission:

PreventionGenetics, part of Exact Sciences
Classification: Likely benign for EFL1-related condition. Last evaluated: 2026-07-09. Review status: criteria provided, single submitter. Criteria: ACMG Guidelines, 2015. Collection method: clinical testing. Allele origin: germline.
Comment: This variant is classified as likely benign based on ACMG/AMP sequence variant interpretation guidelines (Richards et al. 2015 PMID: 25741868, with internal and published modifications).